The following is an entry in ClinVar:

NM_025193.4(HSD3B7):c.212A>G (p.His71Arg)

Gene: HSD3B7 (hydroxy-delta-5-steroid dehydrogenase, 3 beta- and steroid delta-isomerase 7; plus strand). Cytogenetic location: 16p11.2.
Variant type: single nucleotide variant.
Coding change: c.212A>G on transcript NM_025193.4 (MANE Select); coding-DNA position 212, A replaced by G.
Protein change: p.His71Arg; replaces histidine 71 with arginine.
Molecular consequence: missense variant.
Genome position (GRCh38, 1-based): chr16:30,986,094, A>G. VCF-style: chr16-30986094-A-G. GRCh37 (hg19) VCF-style: chr16-30997415-A-G.
Other names: c.212A>G, p.His71Arg (NM_001142777.2, NM_001142778.2); short protein forms H71R.
Identifiers: ClinVar variation 4621780 (VCV004621780.2).

ClinVar aggregate classification (germline): Uncertain significance. Review status: criteria provided, multiple submitters, no conflicts (2 of 4 stars). 2 submissions from 2 submitters: Uncertain significance (2). Last evaluated 2025-12-01.

Conditions:
Inborn genetic diseases. Identifiers: MedGen C0950123, MeSH D030342.

gnomAD v4.1: 47 of 1,613,828 alleles (0.0029%); highest among the groups gnomAD compares: South Asian, 0.051%; 1 homozygote.

Submissions (2):

Labcorp Genetics (formerly Invitae), Labcorp
Classification: Uncertain significance. Last evaluated: 2025-12-01. Review status: criteria provided, single submitter. Criteria: Invitae Variant Classification Sherloc (09022015). Collection method: clinical testing. Allele origin: germline.
Comment: This sequence change replaces histidine, which is basic and polar, with arginine, which is basic and polar, at codon 71 of the HSD3B7 protein (p.His71Arg). This variant is present in population databases (rs569351895, gnomAD 0.04%). This variant has not been reported in the literature in individuals affected with HSD3B7-related conditions. Invitae Evidence Modeling of protein sequence and biophysical properties (such as structural, functional, and spatial information, amino acid conservation, physicochemical variation, residue mobility, and thermodynamic stability) indicates that this missense variant is not expected to disrupt HSD3B7 protein function with a negative predictive value of 80%. In summary, the available evidence is currently insufficient to determine the role of this variant in disease. Therefore, it has been classified as a Variant of Uncertain Significance.

Ambry Genetics
Classification: Uncertain significance for Inborn genetic diseases. Last evaluated: 2025-10-30. Review status: criteria provided, single submitter. Criteria: Ambry Variant Classification Scheme 2023. Collection method: clinical testing. Allele origin: germline.